The following is an entry in ClinVar:

NC_000006.11:g.(?_65767487)_(65767640_?)del

Gene: EYS (eyes shut homolog; minus strand). Cytogenetic location: 6q12.
Variant type: Deletion.
Identifiers: ClinVar variation 2423829 (VCV002423829.2).

ClinVar aggregate classification (germline): Uncertain significance (1 of 4 stars; one submission).

Submission:

Labcorp Genetics (formerly Invitae), Labcorp
Classification: Uncertain significance. Last evaluated: 2022-06-15. Review status: criteria provided, single submitter. Criteria: Invitae Variant Classification Sherloc (09022015). Collection method: clinical testing. Allele origin: germline.
Comment: This variant is a gross deletion of the genomic region encompassing exon(s) 13 of the EYS gene. This variant would be expected to be in-frame, preserving the integrity of the reading frame. This variant has not been reported in the literature in individuals affected with EYS-related conditions. Experimental studies and prediction algorithms are not available or were not evaluated, and the functional significance of this variant is currently unknown. In summary, the available evidence is currently insufficient to determine the role of this variant in disease. Therefore, it has been classified as a Variant of Uncertain Significance.